The following is an entry in ClinVar:

ClinVar aggregate classification (germline): Likely benign (0 of 4 stars; one submission).

Conditions:
MAP3K15-related disorder. Also called: MAP3K15-related condition.

Submissions (2):

PreventionGenetics, part of Exact Sciences
Classification: Likely benign for MAP3K15-related condition. Last evaluated: 2019-09-18. Review status: no assertion criteria provided. Collection method: clinical testing. Allele origin: germline.
Comment: This variant is classified as likely benign based on ACMG/AMP sequence variant interpretation guidelines (Richards et al. 2015 PMID: 25741868, with internal and published modifications).

Dr. Peter K. Rogan Lab, Western University
No classification provided (evidence only). Condition: Gastric cancer. Review status: no classification provided. Collection method: in vitro. Allele origin: not applicable. Functional consequence: retained intron. Not counted in ClinVar's aggregate classification.

NM_001001671.4(MAP3K15):c.3567-13_3567-8del

Gene: MAP3K15 (mitogen-activated protein kinase kinase kinase 15; minus strand). Cytogenetic location: Xp22.12.
Variant type: Deletion.
Coding change: c.3567-13_3567-8del on transcript NM_001001671.4 (MANE Select); 13 bases into the intron before coding-DNA position 3567 through 8 bases into the intron before coding-DNA position 3567, 6 bases deleted (TTTTTT; older notation c.3567-13_3567-8delTTTTTT).
Molecular consequence: intron variant.
Genome position (GRCh38, 1-based): chrX:19,362,858-19,362,863, AAAAAA deleted on the plus strand (TTTTTT on the coding strand, the reverse complement: MAP3K15 is on the minus strand); deleting any 6 consecutive bases within chrX:19,362,858-19,362,874 gives the same sequence; the c. name uses the placement nearest the transcript's 3' end. VCF-style (leftmost placement, unchanged base first): chrX-19362857-TAAAAAA-T. GRCh37 (hg19) VCF-style: chrX-19380975-TAAAAAA-T.
Other names: NC_000023.10:g.19380987_19380992del; c.3567-24_3567-19del (NM_001001671.4).
Identifiers: ClinVar variation 3040537 (VCV003040537.3), dbSNP rs34487219, ClinGen allele CA10363407.